The following is an entry in ClinVar:

ClinVar aggregate classification (germline): Conflicting classifications of pathogenicity. Review status: criteria provided, conflicting classifications (1 of 4 stars). 10 submissions from 10 submitters: Uncertain significance (4); Likely benign (4). 2 of the submissions do not count toward it. Last evaluated 2026-01-12.

Conditions:
Hereditary breast ovarian cancer syndrome. Also called: Hereditary breast and ovarian cancer syndrome; Hereditary breast and ovarian cancer; Hereditary breast and ovarian cancer syndrome (HBOC); Breast and ovarian cancer; Hereditary breast and/or ovarian cancer syndrome; BRCA1- and BRCA2-Associated Hereditary Breast and Ovarian Cancer. Identifiers: Orphanet 145, MedGen C0677776, MeSH D061325, MONDO:0003582. Disease mechanism: loss of function.
Familial pancreatic carcinoma. Identifiers: Orphanet 1333, MedGen C2931038, MONDO:0015278, OMIM 260350.
Hereditary cancer-predisposing syndrome. Also called: Neoplastic Syndromes, Hereditary; Tumor predisposition; Hereditary neoplastic syndrome; Hereditary Cancer Syndrome. Identifiers: Orphanet 140162, MedGen C0027672, MeSH D009386, MONDO:0015356.
Breast-ovarian cancer, familial, susceptibility to, 2 (BROVCA2). Also called: BRCA2 Hereditary Breast and Ovarian Cancer. Identifiers: Orphanet 145, MedGen C2675520, MONDO:0012933, OMIM 612555. Disease mechanism: loss of function.

Allele frequency attached by ClinVar (database versions not stated): gnomAD exomes below 0.00001 and 0.00002; ExAC 0.00002.
gnomAD v4.1: 7 of 1,614,138 alleles (0.00043%); highest among the groups gnomAD compares: Middle Eastern, 0.016%; no homozygotes.

Submissions (10):

Labcorp Genetics (formerly Invitae), Labcorp
Classification: Likely benign for Hereditary breast ovarian cancer syndrome. Last evaluated: 2026-01-12. Review status: criteria provided, single submitter. Criteria: Invitae Variant Classification Sherloc (09022015). Collection method: clinical testing. Allele origin: germline.

Quest Diagnostics Nichols Institute San Juan Capistrano
Classification: Uncertain significance. Last evaluated: 2025-08-25. Review status: criteria provided, single submitter. Criteria: Quest Diagnostics criteria. Collection method: clinical testing. Allele origin: unknown.
Comment: The BRCA2 c.9838C>T (p.Pro3280Ser) variant has been reported in the published literature in individuals with breast/ovarian cancer (PMIDs: 34178674 (2021), 31451522 (2019)). Assessment of experimental evidence suggests this variant does not result in abnormal protein function (PMID: 29988080 (2018)). The frequency of this variant in the general population (Genome Aggregation Database) is uninformative in the assessment of its pathogenicity. Analysis of this variant using bioinformatics tools for the prediction of the effect of amino acid changes on protein structure and function yielded conflicting predictions that this variant is benign or damaging. Based on the available information, we are unable to determine the clinical significance of this variant.

Department of Pathology and Laboratory Medicine, Sinai Health System
Classification: Likely benign for Familial pancreatic carcinoma. Last evaluated: 2024-06-13. Review status: criteria provided, single submitter. Criteria: ACMG Guidelines, 2015. Collection method: clinical testing. Allele origin: germline. Affected: yes.

All of Us Research Program, National Institutes of Health
Classification: Uncertain significance for Breast-ovarian cancer, familial, susceptibility to, 2. Last evaluated: 2023-12-13. Review status: criteria provided, single submitter. Criteria: ACMG Guidelines, 2015. Collection method: clinical testing. Allele origin: germline. Inheritance: Autosomal dominant inheritance. Observed: 1 variant allele, 1 heterozygote.
Comment: This missense variant replaces proline with serine at codon 3280 of the BRCA2 protein. Computational prediction suggests that this variant may not impact protein structure and function (internally defined REVEL score threshold <= 0.5, PMID: 27666373). Splice site prediction tools suggest that this variant may not impact RNA splicing. Experimental functional studies have been shown this variant to behaves similar to wild-type BRCA1 in homology directed recombination, cisplatin sensitivity, and complementation of BRCA2-deficient cells (PMID: 29988080), suggesting the variant does not contribute to disease. This variant has not been reported in individuals affected with hereditary cancer in the literature. This variant has been identified in 4/251294 chromosomes in the general population by the Genome Aggregation Database (gnomAD). The available evidence is insufficient to determine the role of this variant in disease conclusively. Therefore, this variant is classified as a Variant of Uncertain Significance.

This study involves interpretation of variants in research participants for the purpose of population health screening. Participant phenotype was not available at the time of variant classification. Additional details can be found in publication PMID: 35346344, PMCID: PMC8962531

Color Diagnostics, LLC DBA Color Health
Classification: Uncertain significance for Hereditary cancer-predisposing syndrome. Last evaluated: 2023-06-14. Review status: criteria provided, single submitter. Criteria: ACMG Guidelines, 2015. Collection method: clinical testing. Allele origin: germline.
Comment: This missense variant replaces proline with serine at codon 3280 of the BRCA2 protein. Computational prediction suggests that this variant may not impact protein structure and function (internally defined REVEL score threshold <= 0.5, PMID: 27666373). Functional studies have shown that this variant does not impact homology-directed DNA repair, cisplatin sensitivity, or complementation compared to wild-type BRCA2 (PMID: 29988080). This variant has been reported in two individuals affected with breast cancer (PMID: 31451522, 34178674). This variant has been identified in 4/251294 chromosomes in the general population by the Genome Aggregation Database (gnomAD). The available evidence is insufficient to determine the role of this variant in disease conclusively. Therefore, this variant is classified as a Variant of Uncertain Significance.

Women's Health and Genetics/Laboratory Corporation of America, LabCorp
Classification: Likely benign. Last evaluated: 2022-10-21. Review status: criteria provided, single submitter. Criteria: LabCorp Variant Classification Summary - May 2015. Collection method: clinical testing. Allele origin: germline.
Comment: Variant summary: BRCA2 c.9838C>T (p.Pro3280Ser) results in a non-conservative amino acid change in the encoded protein sequence. Four of five in-silico tools predict a damaging effect of the variant on protein function. The variant allele was found at a frequency of 1.6e-05 in 251294 control chromosomes. The available data on variant occurrences in the general population are insufficient to allow any conclusion about variant significance. c.9838C>T has been reported in the literature in individuals affected with Breast Cancer without evidence of causality (Ebrahimi_2019, Fanale_2021). These reports do not provide unequivocal conclusions about association of the variant with Hereditary Breast And Ovarian Cancer Syndrome. Co-occurrences with other pathogenic variant(s) have been reported (BRCA1 c.5145delC, BIC; BRCA2 c.755_758delACAG, UMD), providing supporting evidence for a benign role. A mouse embryonic stem cell (mESC)-based functional assay showed the variant to have proper complementation to loss of endogenous Brca2 and 125% HDR capacity compared to wild-type (Mesman_2018). Four clinical diagnostic laboratories have submitted clinical-significance assessments for this variant to ClinVar after 2014 without evidence for independent evaluation. Two laboratories classified it as uncertain significance and two as likely benign. Based on the evidence outlined above, the variant was classified as likely benign.

Ambry Genetics
Classification: Likely benign for Hereditary cancer-predisposing syndrome. Last evaluated: 2020-02-28. Review status: criteria provided, single submitter. Criteria: Ambry Variant Classification Scheme 2023. Collection method: clinical testing. Allele origin: germline.

GeneDx
Classification: Uncertain significance. Last evaluated: 2018-12-21. Review status: criteria provided, single submitter. Criteria: GeneDx Variant Classification (06012015). Collection method: clinical testing. Allele origin: germline. Affected: yes.
Comment: This variant is denoted BRCA2 c.9838C>T at the cDNA level, p.Pro3280Ser (P3280S) at the protein level, and results in the change of a Proline to a Serine (CCT>TCT). Using alternate nomenclature, this variant would be defined as BRCA2 10066C>T. This variant showed complementation and homology directed repair capacity similar to wild type and did not significantly impact sensitivity to DNA damaging agents in in vitro functional studies (Mesman 2018). BRCA2 Pro3280Ser was not observed at a significant allele frequency in large population cohorts (Lek 2016). BRCA2 Pro3280Ser is not located in a known functional domain. In silico analysis, which includes protein predictors and evolutionary conservation, supports that this variant does not alter protein structure/function. Based on currently available evidence, it is unclear whether BRCA2 Pro3280Ser is a pathogenic or benign variant. We consider it to be a variant of uncertain significance.

Sharing Clinical Reports Project (SCRP)
Classification: Likely benign for Breast-ovarian cancer, familial 2. Last evaluated: 2010-09-09. Review status: no assertion criteria provided. Collection method: clinical testing. Allele origin: germline. Not counted in ClinVar's aggregate classification.

Breast Cancer Information Core (BIC) (BRCA2)
Classification: Uncertain significance for Breast-ovarian cancer, familial 2. Last evaluated: 2004-02-20. Review status: no assertion criteria provided. Collection method: clinical testing. Allele origin: germline. Affected: yes. Observed: 2 variant alleles. Not counted in ClinVar's aggregate classification.

Literature cited by the submitters: PubMed 29988080 (cited by 6 submitters); PubMed 39402389 (cited by Quest Diagnostics Nichols Institute San Juan Capistrano); PubMed 34178674 (cited by 4 submitters); PubMed 31451522 (cited by 4 submitters); PubMed 31131967 (cited by Quest Diagnostics Nichols Institute San Juan Capistrano).

NM_000059.4(BRCA2):c.9838C>T (p.Pro3280Ser)

Gene: BRCA2 (BRCA2 DNA repair associated; plus strand). Cytogenetic location: 13q13.1.
Variant type: single nucleotide variant.
Coding change: c.9838C>T on transcript NM_000059.4 (MANE Select); coding-DNA position 9838, C replaced by T.
Protein change: p.Pro3280Ser; replaces proline 3280 with serine.
Molecular consequence: missense variant.
Genome position (GRCh38, 1-based): chr13:32,398,351, C>T. VCF-style: chr13-32398351-C-T. GRCh37 (hg19) VCF-style: chr13-32972488-C-T.
Other names: 10066C>T; short protein forms P3280S.
Identifiers: ClinVar variation 52905 (VCV000052905.29), dbSNP rs55835607, ClinGen allele CA026310.